The following is an entry in ClinVar:

ClinVar aggregate classification (germline): Uncertain significance (1 of 4 stars; one submission).

Allele frequency attached by ClinVar (database versions not stated): TOPMed 0.00001; ESP Exome Variant Server 0.00008.
gnomAD v4.1: 25 of 1,614,184 alleles (0.0015%); highest among the groups gnomAD compares: Non-Finnish European, 0.0019%; no homozygotes.

Submission:

Labcorp Genetics (formerly Invitae), Labcorp
Classification: Uncertain significance. Last evaluated: 2024-10-29. Review status: criteria provided, single submitter. Criteria: Invitae Variant Classification Sherloc (09022015). Collection method: clinical testing. Allele origin: germline.
Comment: This sequence change replaces glutamic acid, which is acidic and polar, with aspartic acid, which is acidic and polar, at codon 74 of the KCNV2 protein (p.Glu74Asp). This variant is not present in population databases (gnomAD no frequency). This variant has not been reported in the literature in individuals affected with KCNV2-related conditions. ClinVar contains an entry for this variant (Variation ID: 1006771). Invitae Evidence Modeling of protein sequence and biophysical properties (such as structural, functional, and spatial information, amino acid conservation, physicochemical variation, residue mobility, and thermodynamic stability) indicates that this missense variant is not expected to disrupt KCNV2 protein function with a negative predictive value of 95%. In summary, the available evidence is currently insufficient to determine the role of this variant in disease. Therefore, it has been classified as a Variant of Uncertain Significance.

NM_133497.4(KCNV2):c.222G>C (p.Glu74Asp)

Gene: KCNV2 (potassium voltage-gated channel modifier subfamily V member 2; plus strand). Cytogenetic location: 9p24.2.
Variant type: single nucleotide variant.
Coding change: c.222G>C on transcript NM_133497.4 (MANE Select); coding-DNA position 222, G replaced by C.
Protein change: p.Glu74Asp; replaces glutamic acid 74 with aspartic acid.
Molecular consequence: missense variant.
Genome position (GRCh38, 1-based): chr9:2,717,961, G>C. VCF-style: chr9-2717961-G-C. GRCh37 (hg19) VCF-style: chr9-2717961-G-C.
Other names: short protein forms E74D.
Identifiers: ClinVar variation 1006771 (VCV001006771.8), dbSNP rs139063852, ClinGen allele CA187970732.